The following is an entry in ClinVar:

ClinVar aggregate classification (germline): Uncertain significance (1 of 4 stars; one submission).

Conditions:
Hereditary hemorrhagic telangiectasia (HHT). Also called: ORW DISEASE; Osler Weber Rendu syndrome; OSLER-RENDU-WEBER DISEASE; Osler hemorrhagic telangiectasia syndrome. Identifiers: Orphanet 774, MedGen C0039445, MONDO:0019180. Disease mechanism: loss of function.

Submission:

Labcorp Genetics (formerly Invitae), Labcorp
Classification: Uncertain significance for Hereditary hemorrhagic telangiectasia. Last evaluated: 2023-04-12. Review status: criteria provided, single submitter. Criteria: Invitae Variant Classification Sherloc (09022015). Collection method: clinical testing. Allele origin: germline.
Comment: This variant has not been reported in the literature in individuals affected with ENG-related conditions. In summary, the available evidence is currently insufficient to determine the role of this variant in disease. Therefore, it has been classified as a Variant of Uncertain Significance. Advanced modeling of protein sequence and biophysical properties (such as structural, functional, and spatial information, amino acid conservation, physicochemical variation, residue mobility, and thermodynamic stability) performed at Invitae indicates that this missense variant is not expected to disrupt ENG protein function. This variant is not present in population databases (gnomAD no frequency). This sequence change replaces serine, which is neutral and polar, with threonine, which is neutral and polar, at codon 419 of the ENG protein (p.Ser419Thr).

NM_001114753.3(ENG):c.1256G>C (p.Ser419Thr)

Genes: ENG (endoglin; minus strand), LOC102723566 (uncharacterized LOC102723566; plus strand). Cytogenetic location: 9q34.11.
Variant type: single nucleotide variant.
Coding change: c.1256G>C on transcript NM_001114753.3 (MANE Select); coding-DNA position 1256, G replaced by C.
Protein change: p.Ser419Thr; replaces serine 419 with threonine.
Molecular consequence: missense variant.
Genome position (GRCh38, 1-based): chr9:127,819,916, C>G on the plus strand (G>C on the coding strand, the complement: ENG is on the minus strand). VCF-style: chr9-127819916-C-G. GRCh37 (hg19) VCF-style: chr9-130582195-C-G.
Other names: c.1256G>C, p.Ser419Thr (NM_000118.4); c.710G>C, p.Ser237Thr (NM_001278138.2); short protein forms S419T, S237T.
Identifiers: ClinVar variation 2878401 (VCV002878401.3), dbSNP rs1181617471, ClinGen allele CA374978322.
Genomic context (GRCh38, chr9:127,819,916, plus strand): 5'-ACCAACCAGGCTGGTCCTGATACCTTTTTGGCCCCAGCTCTTACCTCATTGCTGATCATA[C>G]TTGCTGACACCTGCATGCCACAGCTGGAGTAAGCACTGCGCAAGACAAACTTGTCACCCC-3'
Protein context (NP_001108225.1, residues 409-429): YSSCGMQVSA[Ser419Thr]MISNEAVVNI